The following is an entry in ClinVar:

NM_025114.4(CEP290):c.1952T>C (p.Met651Thr)

Gene: CEP290 (centrosomal protein 290; minus strand). Cytogenetic location: 12q21.32.
Variant type: single nucleotide variant.
Coding change: c.1952T>C on transcript NM_025114.4 (MANE Select); coding-DNA position 1952, T replaced by C.
Protein change: p.Met651Thr; replaces methionine 651 with threonine.
Molecular consequence: missense variant.
Genome position (GRCh38, 1-based): chr12:88,114,520, A>G on the plus strand (T>C on the coding strand, the complement: CEP290 is on the minus strand). VCF-style: chr12-88114520-A-G. GRCh37 (hg19) VCF-style: chr12-88508297-A-G.
Other names: c.1952T>C (NM_025114.3); short protein forms M651T.
Identifiers: ClinVar variation 1035229 (VCV001035229.9), dbSNP rs772165172, ClinGen allele CA241149758.
Genomic context (GRCh38, chr12:88,114,520, plus strand): 5'-TCTCCTCCTTTAACATCAGGATCTTTCTGCATTTCCTTAATTGCTTGCAATATTTCTTTC[A>G]TACCTTCTTCAAGTTGCTTATTTTCTTCAACTAATTCTTTTACTGTAATTACACAGTTTT-3'
Protein context (NP_079390.3, residues 641-661): VEENKQLEEG[Met651Thr]KEILQAIKEM

ClinVar aggregate classification (germline): Uncertain significance. Review status: criteria provided, multiple submitters, no conflicts (2 of 4 stars). 3 submissions from 3 submitters: Uncertain significance (2). 1 of the submissions does not count toward it. Last evaluated 2025-06-13.

Conditions:
Joubert syndrome. Also called: Familial aplasia of the vermis; JOUBERT-BOLTSHAUSER SYNDROME. Identifiers: Orphanet 475, MedGen C5979921, MONDO:0018772.
Nephronophthisis. Also called: Juvenile Nephronophthisis. Identifiers: Orphanet 655, MedGen C0687120, MONDO:0019005, HP:0000090.
Meckel-Gruber syndrome. Also called: DYSENCEPHALIA SPLANCHNOCYSTICA; GRUBER SYNDROME; Dysencephalia splachnocystica. Identifiers: Orphanet 564, MedGen C0265215, MONDO:0018921.
CEP290-related disorder. Also called: CEP290-related disorders; CEP290-related condition. Identifiers: MedGen CN239314.
Leber congenital amaurosis (LCA). Also called: Leber's amaurosis. Identifiers: Orphanet 65, MedGen C0339527, MeSH D057130, MONDO:0018998.

Allele frequency attached by ClinVar (database versions not stated): gnomAD 0.00001; gnomAD exomes 0.00001; TOPMed 0.00002.
gnomAD v4.1: 16 of 1,541,974 alleles (0.001%); highest among the groups gnomAD compares: Non-Finnish European, 0.0014%; no homozygotes.

Submissions (3):

PreventionGenetics, part of Exact Sciences
Classification: Uncertain significance for CEP290-related condition. Last evaluated: 2025-06-13. Review status: criteria provided, single submitter. Criteria: ACMG Guidelines, 2015. Collection method: clinical testing. Allele origin: germline.
Comment: The CEP290 c.1952T>C variant is predicted to result in the amino acid substitution p.Met651Thr. To our knowledge, this variant has not been reported in the literature or in a large population database (gnomAD), indicating this variant is rare. At this time, the clinical significance of this variant is uncertain due to the absence of conclusive functional and genetic evidence.

Labcorp Genetics (formerly Invitae), Labcorp
Classification: Uncertain significance for Joubert syndrome; Meckel-Gruber syndrome; Nephronophthisis. Last evaluated: 2022-11-01. Review status: criteria provided, single submitter. Criteria: Invitae Variant Classification Sherloc (09022015). Collection method: clinical testing. Allele origin: germline.
Comment: This variant has not been reported in the literature in individuals affected with CEP290-related conditions. ClinVar contains an entry for this variant (Variation ID: 1035229). Advanced modeling of protein sequence and biophysical properties (such as structural, functional, and spatial information, amino acid conservation, physicochemical variation, residue mobility, and thermodynamic stability) performed at Invitae indicates that this missense variant is expected to disrupt CEP290 protein function. In summary, the available evidence is currently insufficient to determine the role of this variant in disease. Therefore, it has been classified as a Variant of Uncertain Significance. This variant is not present in population databases (gnomAD no frequency). This sequence change replaces methionine, which is neutral and non-polar, with threonine, which is neutral and polar, at codon 651 of the CEP290 protein (p.Met651Thr).

Natera, Inc.
Classification: Uncertain significance for Leber congenital amaurosis. Last evaluated: 2021-03-05. Review status: no assertion criteria provided. Collection method: clinical testing. Allele origin: germline. Not counted in ClinVar's aggregate classification.